The following is an entry in ClinVar:

ClinVar aggregate classification (germline): Uncertain significance (1 of 4 stars; one submission).

Conditions:
Developmental and epileptic encephalopathy 94 (DEE94). Also called: CHD2-Related Neurodevelopmental Disorders; Epileptic encephalopathy, childhood-onset. Identifiers: Orphanet 1942, Orphanet 2382, MedGen C3809278, MONDO:0014150, OMIM 615369.

Submission:

Labcorp Genetics (formerly Invitae), Labcorp
Classification: Uncertain significance for Developmental and epileptic encephalopathy 94. Last evaluated: 2024-10-28. Review status: criteria provided, single submitter. Criteria: Invitae Variant Classification Sherloc (09022015). Collection method: clinical testing. Allele origin: germline.
Comment: This sequence change replaces isoleucine, which is neutral and non-polar, with leucine, which is neutral and non-polar, at codon 574 of the CHD2 protein (p.Ile574Leu). This variant is not present in population databases (gnomAD no frequency). This variant has not been reported in the literature in individuals affected with CHD2-related conditions. ClinVar contains an entry for this variant (Variation ID: 1421112). An algorithm developed to predict the effect of missense changes on protein structure and function (PolyPhen-2) suggests that this variant is likely to be tolerated. In summary, the available evidence is currently insufficient to determine the role of this variant in disease. Therefore, it has been classified as a Variant of Uncertain Significance.

NM_001271.4(CHD2):c.1720A>C (p.Ile574Leu)

Gene: CHD2 (chromodomain helicase DNA binding protein 2; plus strand). Cytogenetic location: 15q26.1.
Variant type: single nucleotide variant.
Coding change: c.1720A>C on transcript NM_001271.4 (MANE Select); coding-DNA position 1720, A replaced by C.
Protein change: p.Ile574Leu; replaces isoleucine 574 with leucine.
Molecular consequence: missense variant.
Genome position (GRCh38, 1-based): chr15:92,955,423, A>C. VCF-style: chr15-92955423-A-C. GRCh37 (hg19) VCF-style: chr15-93498653-A-C.
Other names: short protein forms I574L.
Identifiers: ClinVar variation 1421112 (VCV001421112.8), dbSNP rs2141814804, ClinGen allele CA393905498.
Genomic context (GRCh38, chr15:92,955,423, plus strand): 5'-TTATGTGATATAGAAAGGTAGAAGTAGAAATTATGTCTTAATTATGTTTTTTTCTTATAG[A>C]TACGGGAATATGAATGGATTCATTCCCAAACCAAAAGATTGAAGTTCAACGCACTTATAA-3'
Protein context (NP_001262.3, residues 564-584): YIGDLMSRNT[Ile574Leu]REYEWIHSQT